The following is an entry in ClinVar:

ClinVar aggregate classification (germline): Uncertain significance (1 of 4 stars; one submission).

Conditions:
Treacher Collins syndrome 1 (TCS1). Also called: TCOF1-Related Treacher Collins Syndrome. Identifiers: Orphanet 861, MedGen CN315775, MONDO:0007944, OMIM 154500.

gnomAD v4.1: 2 of 1,605,438 alleles (0.00012%); highest among the groups gnomAD compares: Non-Finnish European, 0.00017%; no homozygotes.

Submission:

Labcorp Genetics (formerly Invitae), Labcorp
Classification: Uncertain significance for Treacher Collins syndrome 1. Last evaluated: 2023-07-17. Review status: criteria provided, single submitter. Criteria: Invitae Variant Classification Sherloc (09022015). Collection method: clinical testing. Allele origin: germline.
Comment: This sequence change replaces lysine, which is basic and polar, with glutamic acid, which is acidic and polar, at codon 1439 of the TCOF1 protein (p.Lys1439Glu). This variant is not present in population databases (gnomAD no frequency). This missense change has been observed in individual(s) with Treacher Collins syndrome (Invitae). This missense change has been observed in at least one individual who was not affected with TCOF1-related conditions (Invitae). ClinVar contains an entry for this variant (Variation ID: 1441115). Experimental studies and prediction algorithms are not available or were not evaluated, and the functional significance of this variant is currently unknown. In summary, the available evidence is currently insufficient to determine the role of this variant in disease. Therefore, it has been classified as a Variant of Uncertain Significance.

NM_001371623.1(TCOF1):c.4318A>G (p.Lys1440Glu)

Gene: TCOF1 (treacle ribosome biogenesis factor 1; plus strand). Cytogenetic location: 5q32.
Variant type: single nucleotide variant.
Coding change: c.4318A>G on transcript NM_001371623.1 (MANE Select); coding-DNA position 4318, A replaced by G.
Protein change: p.Lys1440Glu; replaces lysine 1440 with glutamic acid.
Molecular consequence: missense variant.
Genome position (GRCh38, 1-based): chr5:150,396,815, A>G. VCF-style: chr5-150396815-A-G. GRCh37 (hg19) VCF-style: chr5-149776378-A-G.
Other names: c.4084A>G, p.Lys1362Glu (NM_000356.4); c.4315A>G, p.Lys1439Glu (NM_001135243.2); c.4204A>G, p.Lys1402Glu (NM_001135244.2); c.4087A>G, p.Lys1363Glu (NM_001135245.2); c.4201A>G, p.Lys1401Glu (NM_001195141.2); short protein forms K1362E, K1401E, K1363E, K1439E, K1440E, K1402E.
Identifiers: ClinVar variation 1441115 (VCV001441115.8), dbSNP rs2151107757, ClinGen allele CA361744055.